The following is an entry in ClinVar:

NM_000138.5(FBN1):c.3379G>A (p.Gly1127Ser)

Gene: FBN1 (fibrillin 1; minus strand). Cytogenetic location: 15q21.1.
Variant type: single nucleotide variant.
Coding change: c.3379G>A on transcript NM_000138.5 (MANE Select); coding-DNA position 3379, G replaced by A.
Protein change: p.Gly1127Ser; replaces glycine 1127 with serine.
Molecular consequence: missense variant.
Genome position (GRCh38, 1-based): chr15:48,487,396, C>T on the plus strand (G>A on the coding strand, the complement: FBN1 is on the minus strand). VCF-style: chr15-48487396-C-T. GRCh37 (hg19) VCF-style: chr15-48779593-C-T.
Other names: short protein forms G1127S.
Identifiers: ClinVar variation 16443 (VCV000016443.10), dbSNP rs137854468, ClinGen allele CA014015.

ClinVar aggregate classification (germline): Conflicting classifications of pathogenicity. Review status: criteria provided, conflicting classifications (1 of 4 stars). 4 submissions from 4 submitters: Pathogenic (1); Likely pathogenic (1); Uncertain significance (1). 1 of the submissions does not count toward it. Last evaluated 2024-06-12.

Conditions:
Familial thoracic aortic aneurysm and aortic dissection (TAAD). Also called: Thoracic aortic aneurysms and dissections. Identifiers: Orphanet 91387, MedGen C4707243, MONDO:0019625.
Marfan syndrome (MFS). Also called: FBN1-Related Marfan Syndrome; Marfan syndrome type 1; Marfan's syndrome; Marfan syndrome, classic; MARFAN SYNDROME, TYPE I. Identifiers: Orphanet 284963, Orphanet 558, MedGen C0024796, MONDO:0007947, OMIM 154700.
MARFAN SYNDROME, MILD. Identifiers: MedGen C4016056.

Submissions (4):

GeneDx
Classification: Pathogenic. Last evaluated: 2024-06-12. Review status: criteria provided, single submitter. Criteria: GeneDx Variant Classification Process June 2021. Collection method: clinical testing. Allele origin: germline. Affected: yes.
Comment: Identified in patients with Marfan syndrome or with isolated aortic disease in published literature (PMID: 7762551, 19802897); Not observed at significant frequency in large population cohorts (gnomAD); Does not affect a cysteine or calcium-binding residue within an EGF-like domain or a TGF-binding protein domain of the FBN1 gene; cysteine substitutions in the EGF-like domains represent the majority of pathogenic missense changes associated with FBN1-related disorders (PMID: 12938084); In silico analysis supports that this missense variant has a deleterious effect on protein structure/function; This variant is associated with the following publications: (PMID: 20082464, 12203987, 10633129, 11278305, 12511552, 19802897, 9525872, 7762551)

Labcorp Genetics (formerly Invitae), Labcorp
Classification: Likely pathogenic for Marfan syndrome; Familial thoracic aortic aneurysm and aortic dissection. Last evaluated: 2020-03-25. Review status: criteria provided, single submitter. Criteria: Invitae Variant Classification Sherloc (09022015). Collection method: clinical testing. Allele origin: germline.
Comment: This sequence change replaces glycine with serine at codon 1127 of the FBN1 protein (p.Gly1127Ser). The glycine residue is highly conserved and there is a small physicochemical difference between glycine and serine. In summary, the currently available evidence indicates that the variant is pathogenic, but additional data are needed to prove that conclusively. Therefore, this variant has been classified as Likely Pathogenic. Experimental studies have shown that this missense change disrupts localized fibrillin folding, which does not significantly impact synthesis and trafficking, but reduces fibrillin deposition into the extracellular matrix, suggesting an extracellular dominant negative effect (PMID: 7762551, 952872, 12651868). This glycine residue is located in a FBN1 calcium-binding epidermal growth factor (cbEGF)-like domain in a position that is predicted to affect protein structure and function (PMID: 19802897). In addition, missense variants at this position of the cbEGF-like domain are overrepresented among individuals with Marfan syndrome (PMID: 12938084). This variant has been reported to segregate with ascending aortic dilatation, aneurysm, and dissection in a single family (PMID: 7762551). ClinVar contains an entry for this variant (Variation ID: 16443). This variant is not present in population databases (ExAC no frequency).

Women's Health and Genetics/Laboratory Corporation of America, LabCorp
Classification: Uncertain significance. Last evaluated: 2016-01-27. Review status: criteria provided, single submitter. Criteria: LabCorp Variant Classification Summary - May 2015. Collection method: clinical testing. Allele origin: germline.
Comment: Variant summary: The c.3379G>A variant affects a conserved nucleotide, resulting in amino acid change from Gly to Ser. This variant is not found in 121560 control chromosomes. Francke U. et al (1995) described the association of this variant with ascending aortic disease based on the presence of this variant in multiple affected individuals from one family presented with various cardiac defects. None of these patients presented with classical MFS. Phenotypes varied from aneurysm, dissection of the ascending aorta to mild aortic root dilation. Nine affected individuals were heterozygous for the variant however one affected family member did not carry the variant of interest. While the combined clinical data on this family suggest the presence of a systemic connective-tissue disorder that overlaps with MFS, other genes associated with TAAD, such as ACTA2, TGFBR1, TGFBR2 and MYH11 have not been screened for mutations. This variant has been identified in at least 2 family members with isolated major cardiac features referred for genetic testing. None of these individuals presented with major/minor skeletal features suggestive of MFS (internal LCA data). Functional studies performed on fibroblasts from c.3379G>A carrier revealed decreased fibrillin deposition into the extracellular matrix. Taken together, this variant was classified as VUS-possibly pathogenic.

OMIM
Classification: Pathogenic for MARFAN SYNDROME, MILD. Last evaluated: 1995-06-01. Review status: no assertion criteria provided. Collection method: literature only. Allele origin: germline. Not counted in ClinVar's aggregate classification.

Literature cited by the submitters: PubMed 7762551 (cited by 3 submitters); PubMed 952872 (cited by Labcorp Genetics (formerly Invitae), Labcorp); PubMed 12651868 (cited by Labcorp Genetics (formerly Invitae), Labcorp and Women's Health and Genetics/Laboratory Corporation of America, LabCorp); PubMed 19802897 (cited by Labcorp Genetics (formerly Invitae), Labcorp); PubMed 12938084 (cited by Labcorp Genetics (formerly Invitae), Labcorp); PubMed 11278305 (cited by Women's Health and Genetics/Laboratory Corporation of America, LabCorp); PubMed 25863307 (cited by Women's Health and Genetics/Laboratory Corporation of America, LabCorp); PubMed 9525872 (cited by Women's Health and Genetics/Laboratory Corporation of America, LabCorp); PubMed 22140025 (cited by Women's Health and Genetics/Laboratory Corporation of America, LabCorp).